The following is an entry in ClinVar:

ClinVar aggregate classification (germline): Uncertain significance (1 of 4 stars; one submission).

Submission:

Labcorp Genetics (formerly Invitae), Labcorp
Classification: Uncertain significance. Last evaluated: 2025-05-18. Review status: criteria provided, single submitter. Criteria: Invitae Variant Classification Sherloc (09022015). Collection method: clinical testing. Allele origin: germline.
Comment: This sequence change replaces glycine, which is neutral and non-polar, with aspartic acid, which is acidic and polar, at codon 419 of the ZNF408 protein (p.Gly419Asp). This variant is not present in population databases (gnomAD no frequency). This variant has not been reported in the literature in individuals affected with ZNF408-related conditions. An algorithm developed to predict the effect of missense changes on protein structure and function (PolyPhen-2) suggests that this variant is likely to be disruptive. In summary, the available evidence is currently insufficient to determine the role of this variant in disease. Therefore, it has been classified as a Variant of Uncertain Significance.

NM_024741.3(ZNF408):c.1256G>A (p.Gly419Asp)

Gene: ZNF408 (zinc finger protein 408; plus strand). Cytogenetic location: 11p11.2.
Variant type: single nucleotide variant.
Coding change: c.1256G>A on transcript NM_024741.3 (MANE Select); coding-DNA position 1256, G replaced by A.
Protein change: p.Gly419Asp; replaces glycine 419 with aspartic acid.
Molecular consequence: missense variant.
Genome position (GRCh38, 1-based): chr11:46,704,956, G>A. VCF-style: chr11-46704956-G-A. GRCh37 (hg19) VCF-style: chr11-46726506-G-A.
Other names: c.1232G>A, p.Gly411Asp (NM_001184751.2); short protein forms G411D, G419D.
Identifiers: ClinVar variation 4719365 (VCV004719365.1).